The following is an entry in ClinVar:

NM_002878.4(RAD51D):c.423G>A (p.Leu141=)

Genes: RAD51L3-RFFL (RAD51L3-RFFL readthrough; minus strand), RAD51D (RAD51 paralog D; minus strand). Cytogenetic location: 17q12.
Variant type: single nucleotide variant.
Coding change: c.423G>A on transcript NM_002878.4 (MANE Select); coding-DNA position 423, G replaced by A.
Protein change: p.Leu141=; no amino-acid change (leucine 141 retained).
Molecular consequence: synonymous variant. On other transcripts: non-coding transcript variant (1), intron variant (1).
Genome position (GRCh38, 1-based): chr17:35,107,045, C>T on the plus strand (G>A on the coding strand, the complement: RAD51D is on the minus strand). VCF-style: chr17-35107045-C-T. GRCh37 (hg19) VCF-style: chr17-33434064-C-T.
Other names: c.483G>A, p.Leu161= (NM_001142571.2); c.145-564G>A (NM_133629.3).
Identifiers: ClinVar variation 1106107 (VCV001106107.8), dbSNP rs2142432938, ClinGen allele CA499731705.
Genomic context (GRCh38, chr17:35,107,045, plus strand): 5'-TACCTGTTCCTCCTCATCCTGGGTTTTAGCCTGAAGCAGCTGGAGGAGGCGGGAAGCTGT[C>T]AGCCCTCCATTGGAATCTACATATAGGACGTTTTGCTGCAGGCCATGGGCCACATTTGCT-3'
Protein context (NP_002869.3, residues 131-151): NVLYVDSNGG[Leu141=]TASRLLQLLQ

ClinVar aggregate classification (germline): Benign/Likely benign. Review status: criteria provided, multiple submitters, no conflicts (2 of 4 stars). 2 submissions from 2 submitters: Benign (1); Likely benign (1). Last evaluated 2025-02-21.

Conditions:
Breast-ovarian cancer, familial, susceptibility to, 4. Identifiers: Orphanet 145, MedGen C3280345, MONDO:0013669, OMIM 614291.

Submissions (2):

Myriad Genetics, Inc.
Classification: Benign for Breast-ovarian cancer, familial, susceptibility to, 4. Last evaluated: 2025-02-21. Review status: criteria provided, single submitter. Criteria: Myriad Autosomal Dominant, Autosomal Recessive and X-Linked Classification Criteria (2023). Collection method: clinical testing. Allele origin: unknown.
Comment: This variant is considered benign. This variant is a silent/synonymous amino acid change and it is not expected to impact splicing.

Labcorp Genetics (formerly Invitae), Labcorp
Classification: Likely benign for Breast-ovarian cancer, familial, susceptibility to, 4. Last evaluated: 2019-11-13. Review status: criteria provided, single submitter. Criteria: Invitae Variant Classification Sherloc (09022015). Collection method: clinical testing. Allele origin: germline.